The following is an entry in ClinVar:

NM_080680.3(COL11A2):c.1852C>T (p.Pro618Ser)

Gene: COL11A2 (collagen type XI alpha 2 chain; minus strand). Cytogenetic location: 6p21.32.
Variant type: single nucleotide variant.
Coding change: c.1852C>T on transcript NM_080680.3 (MANE Select); coding-DNA position 1852, C replaced by T.
Protein change: p.Pro618Ser; replaces proline 618 with serine.
Molecular consequence: missense variant.
Genome position (GRCh38, 1-based): chr6:33,178,152, G>A on the plus strand (C>T on the coding strand, the complement: COL11A2 is on the minus strand). VCF-style: chr6-33178152-G-A. GRCh37 (hg19) VCF-style: chr6-33145929-G-A.
Other names: c.1672C>T, p.Pro558Ser (NM_001424108.1); c.1006C>T, p.Pro336Ser (NM_001424109.1); c.826C>T, p.Pro276Ser (NM_001424110.1, NM_001424111.1); c.1531C>T, p.Pro511Ser (NM_080679.3); c.1594C>T, p.Pro532Ser (NM_080681.3); short protein forms P276S, P336S, P511S, P532S, P558S, P618S.
Identifiers: ClinVar variation 3772150 (VCV003772150.13).

ClinVar aggregate classification (germline): Uncertain significance (1 of 4 stars; one submission).

Submission:

CeGaT Center for Human Genetics Tuebingen
Classification: Uncertain significance. Last evaluated: 2024-12-01. Review status: criteria provided, single submitter. Criteria: CeGaT Center For Human Genetics Tuebingen Variant Classification Criteria Version 2. Collection method: clinical testing. Allele origin: germline. Affected: yes. Observed: 1 variant allele.
Comment: COL11A2: PM2